The following is an entry in ClinVar:

ClinVar aggregate classification (germline): Pathogenic. Review status: criteria provided, multiple submitters, no conflicts (2 of 4 stars). 2 submissions from 2 submitters: Pathogenic (2). Last evaluated 2025-06-30.

Conditions:
Intellectual disability-severe speech delay-mild dysmorphism syndrome (IDDLA). Also called: Intellectual developmental disorder with language impairment AND with or without autistic features; FOXP1 Syndrome; Mental retardation with language impairment and autistic features. Identifiers: Orphanet 391372, MedGen C4013764, MONDO:0013352, OMIM 613670.

Submissions (2):

Genomics, Genetics and Epigenetics Laboratory, Medical College of Wisconsin
Classification: Pathogenic for Intellectual disability-severe speech delay-mild dysmorphism syndrome. Last evaluated: 2025-06-30. Review status: criteria provided, single submitter. Criteria: ACMG Guidelines, 2015. Collection method: research. Allele origin: unknown. Affected: yes.
Comment: The NM_001349338.3:c.1481G>A generates a premature stop codon in exon 17 of 21, and thus likely targeted for nonsense-mediated decay. FOXP1 exhibits constraint against loss-of-function variation in gnomAD v4.1.0. The variant has been previously reported as pathogenic (PMID 34588003). In addition, the variant is absent in gnomAD v4.1.0.

GeneDx
Classification: Pathogenic. Last evaluated: 2024-09-29. Review status: criteria provided, single submitter. Criteria: GeneDx Variant Classification Process June 2021. Collection method: clinical testing. Allele origin: germline. Affected: yes.
Comment: Nonsense variant predicted to result in protein truncation or nonsense mediated decay in a gene for which loss of function is a known mechanism of disease; Not observed at significant frequency in large population cohorts (gnomAD); This variant is associated with the following publications: (PMID: 34588003)

Literature cited by the submitters: PubMed 34588003 (cited by Genomics, Genetics and Epigenetics Laboratory, Medical College of Wisconsin); PubMed 41339071 (cited by Genomics, Genetics and Epigenetics Laboratory, Medical College of Wisconsin).

NM_001349338.3(FOXP1):c.1481G>A (p.Trp494Ter)

Genes: FOXP1 (forkhead box P1; minus strand), LOC126806714 (BRD4-independent group 4 enhancer GRCh37_chr3:71025197-71026396; plus strand). Cytogenetic location: 3p13.
Variant type: single nucleotide variant.
Coding change: c.1481G>A on transcript NM_001349338.3 (MANE Select); coding-DNA position 1481, G replaced by A.
Protein change: p.Trp494Ter; replaces tryptophan 494 with a stop codon.
Molecular consequence: nonsense. On other transcripts: non-coding transcript variant (2).
Genome position (GRCh38, 1-based): chr3:70,976,990, C>T on the plus strand (G>A on the coding strand, the complement: FOXP1 is on the minus strand). VCF-style: chr3-70976990-C-T. GRCh37 (hg19) VCF-style: chr3-71026141-C-T.
Other names: c.1478G>A, p.Trp493Ter (NM_001244808.3, NM_001349341.3); c.1481G>A, p.Trp494Ter (NM_001244810.2, NM_001244814.3, NM_001244816.2 and 2 more transcripts); c.1253G>A, p.Trp418Ter (NM_001244812.3); c.1181G>A, p.Trp394Ter (NM_001244813.3, NM_001244815.2, NM_001349342.3); c.1178G>A, p.Trp393Ter (NM_001349337.2, NM_001349343.3, NM_001349344.3 and 1 more transcripts); short protein forms W393*, W394*, W418*, W493*, W494*.
Identifiers: ClinVar variation 3774967 (VCV003774967.2).